The following is an entry in ClinVar:

ClinVar aggregate classification (germline): Conflicting classifications of pathogenicity. Review status: criteria provided, conflicting classifications (1 of 4 stars). 3 submissions from 3 submitters: Uncertain significance (2); Likely benign (1). Last evaluated 2022-10-21.

Conditions:
Hereditary cancer-predisposing syndrome. Also called: Hereditary neoplastic syndrome; Neoplastic Syndromes, Hereditary; Tumor predisposition; Hereditary Cancer Syndrome. Identifiers: Orphanet 140162, MedGen C0027672, MeSH D009386, MONDO:0015356.
Microcephaly, normal intelligence and immunodeficiency (NBS). Also called: IMMUNODEFICIENCY, MICROCEPHALY, AND CHROMOSOMAL INSTABILITY; SEEMANOVA SYNDROME II; Nijmegen breakage syndrome; Microcephaly with normal intelligence immunodeficiency and lymphoreticular malignancies; Nonsyndromal microcephaly autosomal recessive with normal intelligence; Seemanova syndrome 2. Identifiers: Orphanet 647, MedGen C0398791, MONDO:0009623, OMIM 251260.

Submissions (3):

Labcorp Genetics (formerly Invitae), Labcorp
Classification: Uncertain significance for Microcephaly, normal intelligence and immunodeficiency. Last evaluated: 2022-10-21. Review status: criteria provided, single submitter. Criteria: Invitae Variant Classification Sherloc (09022015). Collection method: clinical testing. Allele origin: germline.
Comment: This sequence change replaces phenylalanine, which is neutral and non-polar, with leucine, which is neutral and non-polar, at codon 567 of the NBN protein (p.Phe567Leu). This variant is not present in population databases (gnomAD no frequency). This variant has not been reported in the literature in individuals affected with NBN-related conditions. ClinVar contains an entry for this variant (Variation ID: 480060). Algorithms developed to predict the effect of missense changes on protein structure and function output the following: SIFT: "Tolerated"; PolyPhen-2: "Benign"; Align-GVGD: "Class C0". The leucine amino acid residue is found in multiple mammalian species, which suggests that this missense change does not adversely affect protein function. In summary, the available evidence is currently insufficient to determine the role of this variant in disease. Therefore, it has been classified as a Variant of Uncertain Significance.

Ambry Genetics
Classification: Likely benign for Hereditary cancer-predisposing syndrome. Last evaluated: 2022-09-14. Review status: criteria provided, single submitter. Criteria: Ambry Variant Classification Scheme 2023. Collection method: clinical testing. Allele origin: germline.

Genome-Nilou Lab
Classification: Uncertain significance for Microcephaly, normal intelligence and immunodeficiency. Last evaluated: 2021-11-07. Review status: criteria provided, single submitter. Criteria: ACMG Guidelines, 2015. Collection method: clinical testing. Allele origin: germline. Affected: no.

NM_002485.5(NBN):c.1699T>C (p.Phe567Leu)

Gene: NBN (nibrin; minus strand). Cytogenetic location: 8q21.3.
Variant type: single nucleotide variant.
Coding change: c.1699T>C on transcript NM_002485.5 (MANE Select); coding-DNA position 1699, T replaced by C.
Protein change: p.Phe567Leu; replaces phenylalanine 567 with leucine.
Molecular consequence: missense variant.
Genome position (GRCh38, 1-based): chr8:89,953,390, A>G on the plus strand (T>C on the coding strand, the complement: NBN is on the minus strand). VCF-style: chr8-89953390-A-G. GRCh37 (hg19) VCF-style: chr8-90965618-A-G.
Other names: c.1453T>C, p.Phe485Leu (NM_001024688.3); short protein forms F567L, F485L.
Identifiers: ClinVar variation 480060 (VCV000480060.13), dbSNP rs1554558312, ClinGen allele CA371655291.